The following is an entry in ClinVar:

NM_000203.5(IDUA):c.112C>T (p.Arg38Cys)

Genes: SLC26A1 (solute carrier family 26 member 1; minus strand), IDUA (alpha-L-iduronidase; plus strand). Cytogenetic location: 4p16.3.
Variant type: single nucleotide variant.
Coding change: c.112C>T on transcript NM_000203.5 (MANE Select); coding-DNA position 112, C replaced by T.
Protein change: p.Arg38Cys; replaces arginine 38 with cysteine.
Molecular consequence: missense variant. On other transcripts: non-coding transcript variant (1), intron variant (1).
Genome position (GRCh38, 1-based): chr4:987,196, C>T. VCF-style: chr4-987196-C-T. GRCh37 (hg19) VCF-style: chr4-980984-C-T.
Other names: c.112C>T (NM_000203.3); c.576+3932G>A (NM_134425.4); short protein forms R38C.
Identifiers: ClinVar variation 1438371 (VCV001438371.7), dbSNP rs950667822, ClinGen allele CA91144718.

ClinVar aggregate classification (germline): Uncertain significance. Review status: criteria provided, multiple submitters, no conflicts (2 of 4 stars). 3 submissions from 3 submitters: Uncertain significance (3). Last evaluated 2024-10-24.

Conditions:
Hurler syndrome. Also called: Severe MPS I (Hurler Syndrome); MUCOPOLYSACCHARIDOSIS TYPE IH; Gargoylism, Hurler Syndrome. Identifiers: Orphanet 93473, MedGen C0086795, MONDO:0011758, OMIM 607014.
Mucopolysaccharidosis, MPS-I-S. Also called: MPS V; MUCOPOLYSACCHARIDOSIS TYPE V; MUCOPOLYSACCHARIDOSIS TYPE IS; Scheie Syndrome. Identifiers: Orphanet 93474, MedGen C0026708, MONDO:0011760, OMIM 607016.
Mucopolysaccharidosis, MPS-I-H/S. Also called: Mucopolysaccharidosis type IH/S. Identifiers: Orphanet 93476, MedGen C0086431, MONDO:0011759, OMIM 607015.
Inborn genetic diseases. Identifiers: MedGen C0950123, MeSH D030342.
Mucopolysaccharidosis type 1. Also called: IDUA deficiency; MPS I; Mucopolysaccharidosis Type I. Identifiers: Orphanet 579, MedGen C0023786, MONDO:0001586.

Allele frequency attached by ClinVar (database versions not stated): gnomAD 0.00003 and 0.00002; TOPMed 0.00003.
gnomAD v4.1: 16 of 1,478,202 alleles (0.0011%); highest among the groups gnomAD compares: Admixed American, 0.0045%; no homozygotes.

Submissions (3):

Labcorp Genetics (formerly Invitae), Labcorp
Classification: Uncertain significance for Mucopolysaccharidosis type 1. Last evaluated: 2024-10-24. Review status: criteria provided, single submitter. Criteria: Invitae Variant Classification Sherloc (09022015). Collection method: clinical testing. Allele origin: germline.
Comment: This sequence change replaces arginine, which is basic and polar, with cysteine, which is neutral and slightly polar, at codon 38 of the IDUA protein (p.Arg38Cys). This variant is present in population databases (no rsID available, gnomAD 0.002%). This variant has not been reported in the literature in individuals affected with IDUA-related conditions. ClinVar contains an entry for this variant (Variation ID: 1438371). Invitae Evidence Modeling of protein sequence and biophysical properties (such as structural, functional, and spatial information, amino acid conservation, physicochemical variation, residue mobility, and thermodynamic stability) has been performed for this missense variant. However, the output from this modeling did not meet the statistical confidence thresholds required to predict the impact of this variant on IDUA protein function. In summary, the available evidence is currently insufficient to determine the role of this variant in disease. Therefore, it has been classified as a Variant of Uncertain Significance.

Ambry Genetics
Classification: Uncertain significance for Inborn genetic diseases. Last evaluated: 2024-04-05. Review status: criteria provided, single submitter. Criteria: Ambry Variant Classification Scheme 2023. Collection method: clinical testing. Allele origin: germline.
Comment: The p.R38C variant (also known as c.112C>T), located in coding exon 1 of the IDUA gene, results from a C to T substitution at nucleotide position 112. The arginine at codon 38 is replaced by cysteine, an amino acid with highly dissimilar properties. This amino acid position is conserved. In addition, the in silico prediction for this alteration is inconclusive. Based on the available evidence, the clinical significance of this variant remains unclear.

Fulgent Genetics
Classification: Uncertain significance for Hurler syndrome; Mucopolysaccharidosis, MPS-I-H/S; Mucopolysaccharidosis, MPS-I-S. Last evaluated: 2021-11-15. Review status: criteria provided, single submitter. Criteria: ACMG Guidelines, 2015. Collection method: clinical testing. Allele origin: unknown.